The following is an entry in ClinVar:

ClinVar aggregate classification (germline): Uncertain significance (1 of 4 stars; one submission).

Submission:

Labcorp Genetics (formerly Invitae), Labcorp
Classification: Uncertain significance. Last evaluated: 2022-08-10. Review status: criteria provided, single submitter. Criteria: Invitae Variant Classification Sherloc (09022015). Collection method: clinical testing. Allele origin: germline.
Comment: This sequence change replaces lysine, which is basic and polar, with glutamic acid, which is acidic and polar, at codon 634 of the ERCC2 protein (p.Lys634Glu). This variant is present in population databases (no rsID available, gnomAD 0.003%). This variant has not been reported in the literature in individuals affected with ERCC2-related conditions. Algorithms developed to predict the effect of missense changes on protein structure and function are either unavailable or do not agree on the potential impact of this missense change (SIFT: "Deleterious"; PolyPhen-2: "Possibly Damaging"; Align-GVGD: "Class C0"). In summary, the available evidence is currently insufficient to determine the role of this variant in disease. Therefore, it has been classified as a Variant of Uncertain Significance.

NM_000400.4(ERCC2):c.1900A>G (p.Lys634Glu)

Gene: ERCC2 (ERCC excision repair 2, TFIIH core complex helicase subunit; minus strand). Cytogenetic location: 19q13.32.
Variant type: single nucleotide variant.
Coding change: c.1900A>G on transcript NM_000400.4 (MANE Select); coding-DNA position 1900, A replaced by G.
Protein change: p.Lys634Glu; replaces lysine 634 with glutamic acid.
Molecular consequence: missense variant.
Genome position (GRCh38, 1-based): chr19:45,352,748, T>C on the plus strand (A>G on the coding strand, the complement: ERCC2 is on the minus strand). VCF-style: chr19-45352748-T-C. GRCh37 (hg19) VCF-style: chr19-45856006-T-C.
Other names: short protein forms K634E.
Identifiers: ClinVar variation 2179562 (VCV002179562.1), dbSNP rs551121547, ClinGen allele CA308951186.
Genomic context (GRCh38, chr19:45,352,748, plus strand): 5'-AGCCACTCCTCCCTTGATCCTAACACTGTGGGACTCCCTGGGAGACAGAGCTACTCACCT[T>C]GAGAATGCGGCTCTGTGTGTAGACGTAGGGGACGCCAAACATGATGACGGCCCGCCCGTA-3'
Protein context (NP_000391.1, residues 624-644): PYVYTQSRIL[Lys634Glu]ARLEYLRDQF